The following is an entry in ClinVar:

ClinVar aggregate classification (germline): Likely benign (1 of 4 stars; one submission).

Allele frequency attached by ClinVar (database versions not stated): ExAC 0.00092; 1000 Genomes Project 30x 0.00109; ESP Exome Variant Server 0.00142.
gnomAD v4.1: 2,333 of 1,604,156 alleles (0.15%); highest among the groups gnomAD compares: East Asian, 0.21%; no homozygotes.

Submission:

CeGaT Center for Human Genetics Tuebingen
Classification: Likely benign. Last evaluated: 2023-02-01. Review status: criteria provided, single submitter. Criteria: CeGaT Center For Human Genetics Tuebingen Variant Classification Criteria Version 2. Collection method: clinical testing. Allele origin: germline. Affected: yes. Observed: 1 variant allele.
Comment: FLG: BP4

NM_002016.2(FLG):c.8656C>T (p.Arg2886Cys)

Genes: CCDST (cervical cancer associated DHX9 suppressive transcript; plus strand), FLG (filaggrin; minus strand). Cytogenetic location: 1q21.3.
Variant type: single nucleotide variant.
Coding change: c.8656C>T on transcript NM_002016.2 (MANE Select); coding-DNA position 8656, C replaced by T.
Protein change: p.Arg2886Cys; replaces arginine 2886 with cysteine.
Molecular consequence: missense variant.
Genome position (GRCh38, 1-based): chr1:152,306,230, G>A on the plus strand (C>T on the coding strand, the complement: FLG is on the minus strand). VCF-style: chr1-152306230-G-A. GRCh37 (hg19) VCF-style: chr1-152278706-G-A.
Other names: short protein forms R2886C.
Identifiers: ClinVar variation 2639256 (VCV002639256.24), dbSNP rs141172870, ClinGen allele CA1104099.
Genomic context (GRCh38, chr1:152,306,230, plus strand): 5'-TCTCAGAGTCTTCTGAATGTCCCTCACTGTCACTGTCCTGGCTCACACTGGATCCCTGGC[G>A]CCTGCTTCTCCTGGACCCCTCTGATTGTCCCTGGACTGCCTGTGAGTGTCTAGAGATGTC-3'
Protein context (NP_002007.1, residues 2876-2896): GQSEGSRRSR[Arg2886Cys]QGSSVSQDSD